The following is an entry in ClinVar:

NM_000587.4(C7):c.1436C>T (p.Pro479Leu)

Gene: C7 (complement C7; plus strand). Cytogenetic location: 5p13.1.
Variant type: single nucleotide variant.
Coding change: c.1436C>T on transcript NM_000587.4 (MANE Select); coding-DNA position 1436, C replaced by T.
Protein change: p.Pro479Leu; replaces proline 479 with leucine.
Molecular consequence: missense variant.
Genome position (GRCh38, 1-based): chr5:40,958,208, C>T. VCF-style: chr5-40958208-C-T. GRCh37 (hg19) VCF-style: chr5-40958310-C-T.
Other names: short protein forms P479L.
Identifiers: ClinVar variation 2176834 (VCV002176834.3), dbSNP rs747361977, ClinGen allele CA3249963.

ClinVar aggregate classification (germline): Uncertain significance. Review status: criteria provided, multiple submitters, no conflicts (2 of 4 stars). 3 submissions from 3 submitters: Uncertain significance (3). Last evaluated 2024-06-05.

Conditions:
Inborn genetic diseases. Identifiers: MedGen C0950123, MeSH D030342.

Allele frequency attached by ClinVar (database versions not stated): ExAC 0.00009.
gnomAD v4.1: 104 of 1,613,254 alleles (0.0064%); highest among the groups gnomAD compares: Non-Finnish European, 0.0079%; no homozygotes.

Submissions (3):

Blueprint Genetics
Classification: Uncertain significance. Last evaluated: 2024-06-05. Review status: criteria provided, single submitter. Criteria: ACMG Guidelines, 2015. Collection method: clinical testing. Allele origin: germline.

Ambry Genetics
Classification: Uncertain significance for Inborn genetic diseases. Last evaluated: 2023-09-29. Review status: criteria provided, single submitter. Criteria: Ambry Variant Classification Scheme 2023. Collection method: clinical testing. Allele origin: germline.

Labcorp Genetics (formerly Invitae), Labcorp
Classification: Uncertain significance. Last evaluated: 2022-04-28. Review status: criteria provided, single submitter. Criteria: Invitae Variant Classification Sherloc (09022015). Collection method: clinical testing. Allele origin: germline.
Comment: This sequence change replaces proline, which is neutral and non-polar, with leucine, which is neutral and non-polar, at codon 479 of the C7 protein (p.Pro479Leu). This variant is present in population databases (rs747361977, gnomAD 0.01%). This variant has not been reported in the literature in individuals affected with C7-related conditions. Algorithms developed to predict the effect of missense changes on protein structure and function are either unavailable or do not agree on the potential impact of this missense change (SIFT: "Tolerated"; PolyPhen-2: "Possibly Damaging"; Align-GVGD: "Class C0"). In summary, the available evidence is currently insufficient to determine the role of this variant in disease. Therefore, it has been classified as a Variant of Uncertain Significance.